The following is an entry in ClinVar:

NM_015047.3(EMC1):c.336_338del (p.Asn113del)

Gene: EMC1 (ER membrane protein complex subunit 1; minus strand). Cytogenetic location: 1p36.13.
Variant type: Deletion.
Coding change: c.336_338del on transcript NM_015047.3 (MANE Select); coding-DNA positions 336 to 338, 3 bases deleted (TAA; older notation c.336_338delTAA).
Protein change: p.Asn113del; deletes asparagine 113.
Molecular consequence: inframe deletion.
Genome position (GRCh38, 1-based): chr1:19,243,656-19,243,658, TTA deleted on the plus strand (TAA on the coding strand, the reverse complement: EMC1 is on the minus strand). VCF-style (leftmost placement, unchanged base first): chr1-19243655-GTTA-G. GRCh37 (hg19) VCF-style: chr1-19570149-GTTA-G.
Other names: c.336_338del, p.Asn113del (NM_001271427.2, NM_001271428.2, NM_001375820.1 and 1 more transcripts); c.270_272del, p.Asn91del (NM_001271429.2); short protein forms N91del, N113del.
Identifiers: ClinVar variation 1525234 (VCV001525234.7), dbSNP rs747568977, ClinGen allele CA652956.

ClinVar aggregate classification (germline): Uncertain significance. Review status: criteria provided, single submitter (1 of 4 stars). 2 submissions from 2 submitters: Uncertain significance (1). 1 of the submissions does not count toward it. Last evaluated 2025-03-17.

Conditions:
Retinal dystrophy. Also called: Inherited retinal dystrophy. Identifiers: Orphanet 71862, MedGen C0854723, MeSH D058499, MONDO:0019118, HP:0000556.

Allele frequency attached by ClinVar (database versions not stated): gnomAD exomes below 0.00001 and 0.00001; ExAC 0.00001; gnomAD 0.00001; TOPMed 0.00001.

Submissions (2):

Labcorp Genetics (formerly Invitae), Labcorp
Classification: Uncertain significance. Last evaluated: 2025-03-17. Review status: criteria provided, single submitter. Criteria: Invitae Variant Classification Sherloc (09022015). Collection method: clinical testing. Allele origin: germline.
Comment: This variant, c.336_338del, results in the deletion of 1 amino acid(s) of the EMC1 protein (p.Asn113del), but otherwise preserves the integrity of the reading frame. This variant is present in population databases (rs747568977, gnomAD 0.0009%). This variant has not been reported in the literature in individuals affected with EMC1-related conditions. ClinVar contains an entry for this variant (Variation ID: 1525234). Experimental studies and prediction algorithms are not available or were not evaluated, and the functional significance of this variant is currently unknown. In summary, the available evidence is currently insufficient to determine the role of this variant in disease. Therefore, it has been classified as a Variant of Uncertain Significance.

Institute of Human Genetics, Univ. Regensburg, Univ. Regensburg
Classification: Uncertain significance for Retinal dystrophy. Last evaluated: 2019-01-01. Review status: no assertion criteria provided. Criteria: ACMG Guidelines, 2015. Collection method: clinical testing. Allele origin: germline. Affected: yes. Not counted in ClinVar's aggregate classification.